The following is an entry in ClinVar:

NM_052813.5(CARD9):c.1096G>A (p.Glu366Lys)

Gene: CARD9 (caspase recruitment domain family member 9; minus strand). Cytogenetic location: 9q34.3.
Variant type: single nucleotide variant.
Coding change: c.1096G>A on transcript NM_052813.5 (MANE Select); coding-DNA position 1096, G replaced by A.
Protein change: p.Glu366Lys; replaces glutamic acid 366 with lysine.
Molecular consequence: missense variant.
Genome position (GRCh38, 1-based): chr9:136,367,810, C>T on the plus strand (G>A on the coding strand, the complement: CARD9 is on the minus strand). VCF-style: chr9-136367810-C-T. GRCh37 (hg19) VCF-style: chr9-139262262-C-T.
Other names: c.1096G>A, p.Glu366Lys (NM_052814.4); short protein forms E366K.
Identifiers: ClinVar variation 467795 (VCV000467795.6), dbSNP rs146829177, ClinGen allele CA201611565.

ClinVar aggregate classification (germline): Uncertain significance (1 of 4 stars; one submission).

Conditions:
Predisposition to invasive fungal disease due to CARD9 deficiency (IMD103). Also called: IMMUNODEFICIENCY 103, SUSCEPTIBILITY TO FUNGAL INFECTIONS; CARD9 IMMUNODEFICIENCY; Candidiasis, familial, 2, autosomal recessive. Identifiers: Orphanet 457088, MedGen C1859353, MONDO:0008905, OMIM 212050.

Allele frequency attached by ClinVar (database versions not stated): TOPMed below 0.00001; gnomAD exomes 0.00001; ESP Exome Variant Server 0.00008.

Submission:

Labcorp Genetics (formerly Invitae), Labcorp
Classification: Uncertain significance for Predisposition to invasive fungal disease due to CARD9 deficiency. Last evaluated: 2022-08-08. Review status: criteria provided, single submitter. Criteria: Invitae Variant Classification Sherloc (09022015). Collection method: clinical testing. Allele origin: germline.
Comment: This sequence change replaces glutamic acid, which is acidic and polar, with lysine, which is basic and polar, at codon 366 of the CARD9 protein (p.Glu366Lys). This variant is present in population databases (rs146829177, gnomAD 0.002%). This variant has not been reported in the literature in individuals affected with CARD9-related conditions. ClinVar contains an entry for this variant (Variation ID: 467795). Algorithms developed to predict the effect of missense changes on protein structure and function are either unavailable or do not agree on the potential impact of this missense change (SIFT: "Deleterious"; PolyPhen-2: "Benign"; Align-GVGD: "Class C0"). In summary, the available evidence is currently insufficient to determine the role of this variant in disease. Therefore, it has been classified as a Variant of Uncertain Significance.